The following is an entry in ClinVar:

ClinVar aggregate classification (germline): Uncertain significance (1 of 4 stars; one submission).

Conditions:
Combined immunodeficiency due to OX40 deficiency. Also called: Immunodeficiency 16; OX40 DEFICIENCY. Identifiers: Orphanet 431149, MedGen C3810053, MONDO:0014268, OMIM 615593.

Submission:

Labcorp Genetics (formerly Invitae), Labcorp
Classification: Uncertain significance for Combined immunodeficiency due to OX40 deficiency. Last evaluated: 2021-07-02. Review status: criteria provided, single submitter. Criteria: Invitae Variant Classification Sherloc (09022015). Collection method: clinical testing. Allele origin: germline.
Comment: This sequence change replaces histidine with tyrosine at codon 30 of the TNFRSF4 protein (p.His30Tyr). The histidine residue is weakly conserved and there is a moderate physicochemical difference between histidine and tyrosine. This variant is not present in population databases (ExAC no frequency). This variant has not been reported in the literature in individuals affected with TNFRSF4-related conditions. Algorithms developed to predict the effect of missense changes on protein structure and function (SIFT, PolyPhen-2, Align-GVGD) all suggest that this variant is likely to be tolerated. In summary, the available evidence is currently insufficient to determine the role of this variant in disease. Therefore, it has been classified as a Variant of Uncertain Significance.

NM_003327.4(TNFRSF4):c.88C>T (p.His30Tyr)

Gene: TNFRSF4 (TNF receptor superfamily member 4; minus strand). Cytogenetic location: 1p36.33.
Variant type: single nucleotide variant.
Coding change: c.88C>T on transcript NM_003327.4 (MANE Select); coding-DNA position 88, C replaced by T.
Protein change: p.His30Tyr; replaces histidine 30 with tyrosine.
Molecular consequence: missense variant.
Genome position (GRCh38, 1-based): chr1:1,214,040, G>A on the plus strand (C>T on the coding strand, the complement: TNFRSF4 is on the minus strand). VCF-style: chr1-1214040-G-A. GRCh37 (hg19) VCF-style: chr1-1149420-G-A.
Other names: short protein forms H30Y.
Identifiers: ClinVar variation 1418110 (VCV001418110.8), dbSNP rs1649348844, ClinGen allele CA337802902.